The following is an entry in ClinVar:

ClinVar aggregate classification (germline): Uncertain significance (1 of 4 stars; one submission).

Conditions:
Amyotrophic lateral sclerosis type 1 (ALS1). Also called: AMYOTROPHIC LATERAL SCLEROSIS 1, FAMILIAL. Identifiers: Orphanet 803, MedGen C1862939, MONDO:0007103, OMIM 105400.
Neuronopathy, distal hereditary motor, type 7B. Also called: HMN VIIB; LOWER MOTOR NEURON DISEASE, DYNACTIN TYPE; NEURONOPATHY, DISTAL HEREDITARY MOTOR, AUTOSOMAL DOMINANT 14; NEURONOPATHY, DISTAL HEREDITARY MOTOR, HARDING TYPE VIIB; NEUROPATHY, DISTAL HEREDITARY MOTOR, HARDING TYPE VIIB; NEUROPATHY, DISTAL HEREDITARY MOTOR, WITH VOCAL CORD PARALYSIS, HARDING TYPE VIIB. Identifiers: Orphanet 139589, MedGen C1843315, MONDO:0011879, OMIM 607641.
Perry syndrome. Also called: PARKINSONISM WITH ALVEOLAR HYPOVENTILATION AND MENTAL DEPRESSION. Identifiers: Orphanet 178509, MedGen C1868594, MONDO:0008201, OMIM 168605.

Submission:

Labcorp Genetics (formerly Invitae), Labcorp
Classification: Uncertain significance for Amyotrophic lateral sclerosis type 1; Neuronopathy, distal hereditary motor, type 7B; Perry syndrome. Last evaluated: 2024-10-10. Review status: criteria provided, single submitter. Criteria: Invitae Variant Classification Sherloc (09022015). Collection method: clinical testing. Allele origin: germline.
Comment: This sequence change falls in intron 15 of the DCTN1 gene. It does not directly change the encoded amino acid sequence of the DCTN1 protein. It affects a nucleotide within the consensus splice site. This variant is not present in population databases (gnomAD no frequency). This variant has not been reported in the literature in individuals affected with DCTN1-related conditions. Variants that disrupt the consensus splice site are a relatively common cause of aberrant splicing (PMID: 17576681, 9536098). Algorithms developed to predict the effect of sequence changes on RNA splicing suggest that this variant is not likely to affect RNA splicing. In summary, the available evidence is currently insufficient to determine the role of this variant in disease. Therefore, it has been classified as a Variant of Uncertain Significance.

Literature cited by the submitters: PubMed 17576681; PubMed 9536098.

NM_004082.5(DCTN1):c.1702-3C>A

Gene: DCTN1 (dynactin subunit 1; minus strand). Cytogenetic location: 2p13.1.
Variant type: single nucleotide variant.
Coding change: c.1702-3C>A on transcript NM_004082.5 (MANE Select); 3 bases into the intron before coding-DNA position 1702, C replaced by A.
Molecular consequence: intron variant.
Genome position (GRCh38, 1-based): chr2:74,368,883, G>T on the plus strand (C>A on the coding strand, the complement: DCTN1 is on the minus strand). VCF-style: chr2-74368883-G-T. GRCh37 (hg19) VCF-style: chr2-74596010-G-T.
Other names: c.1300-3C>A (NM_001135041.3, NM_023019.4); c.1591-3C>A (NM_001190836.2); c.1633-3C>A (NM_001378992.1); c.1651-3C>A (NM_001378991.1); c.1642-3C>A (NM_001135040.3); c.1681-3C>A (NM_001190837.2).
Identifiers: ClinVar variation 2937671 (VCV002937671.3), dbSNP rs1221765919, ClinGen allele CA2740095662.
Genomic context (GRCh38, chr2:74,368,883, plus strand): 5'-GGGACATGTGTCGATTGGCCTGGGCCACCTCCATCTGCCTCAATTCCATCTCAATTGCCT[G>T]TGAGGTGAACAGGGAGGAGGACTCTTAGCCAGAGCTGAAAGAGCCCCAAAATTCCCATGC-3'